The following is an entry in ClinVar:

NM_000256.3(MYBPC3):c.518C>T (p.Thr173Ile)

Gene: MYBPC3 (myosin binding protein C3; minus strand). Cytogenetic location: 11p11.2.
Variant type: single nucleotide variant.
Coding change: c.518C>T on transcript NM_000256.3 (MANE Select); coding-DNA position 518, C replaced by T.
Protein change: p.Thr173Ile; replaces threonine 173 with isoleucine.
Molecular consequence: missense variant.
Genome position (GRCh38, 1-based): chr11:47,349,910, G>A on the plus strand (C>T on the coding strand, the complement: MYBPC3 is on the minus strand). VCF-style: chr11-47349910-G-A. GRCh37 (hg19) VCF-style: chr11-47371461-G-A.
Other names: p.T173I:ACC>ATC; c.518C>T, p.Thr173Ile (LRG_386t1); short protein forms T173I.
Identifiers: ClinVar variation 181043 (VCV000181043.5), dbSNP rs113941605, ClinGen allele CA015383.

ClinVar aggregate classification (germline): Uncertain significance. Review status: criteria provided, multiple submitters, no conflicts (2 of 4 stars). 2 submissions from 2 submitters: Uncertain significance (2). Last evaluated 2022-09-12.

Conditions:
Hypertrophic cardiomyopathy. Also called: HYPERTROPHIC MYOCARDIOPATHY. Identifiers: Orphanet 217569, MedGen C0007194, MeSH D002312, MONDO:0005045, HP:0001639.

gnomAD v4.1: 21 of 1,600,780 alleles (0.0013%); highest among the groups gnomAD compares: African/African-American, 0.011%; no homozygotes.

Submissions (2):

Labcorp Genetics (formerly Invitae), Labcorp
Classification: Uncertain significance for Hypertrophic cardiomyopathy. Last evaluated: 2022-09-12. Review status: criteria provided, single submitter. Criteria: Invitae Variant Classification Sherloc (09022015). Collection method: clinical testing. Allele origin: germline.
Comment: In summary, the available evidence is currently insufficient to determine the role of this variant in disease. Therefore, it has been classified as a Variant of Uncertain Significance. Algorithms developed to predict the effect of missense changes on protein structure and function (SIFT, PolyPhen-2, Align-GVGD) all suggest that this variant is likely to be tolerated. ClinVar contains an entry for this variant (Variation ID: 181043). This variant has not been reported in the literature in individuals affected with MYBPC3-related conditions. This variant is not present in population databases (gnomAD no frequency). This sequence change replaces threonine, which is neutral and polar, with isoleucine, which is neutral and non-polar, at codon 173 of the MYBPC3 protein (p.Thr173Ile).

GeneDx
Classification: Uncertain significance. Last evaluated: 2019-10-14. Review status: criteria provided, single submitter. Criteria: GeneDx Variant Classification Process June 2021. Collection method: clinical testing. Allele origin: germline. Affected: yes.
Comment: Not observed in large population cohorts (Lek et al., 2016); In silico analysis, which includes protein predictors and evolutionary conservation, supports a deleterious effect; Has not been previously published as pathogenic or benign to our knowledge